The following is an entry in ClinVar:

ClinVar aggregate classification (germline): Uncertain significance (1 of 4 stars; one submission).

Submission:

GeneDx
Classification: Uncertain significance. Last evaluated: 2024-04-25. Review status: criteria provided, single submitter. Criteria: GeneDx Variant Classification Process June 2021. Collection method: clinical testing. Allele origin: germline. Affected: yes.
Comment: Not observed at significant frequency in large population cohorts (gnomAD); In silico analysis supports that this missense variant has a deleterious effect on protein structure/function; Has not been previously published as pathogenic or benign to our knowledge

NM_001470.4(GABBR1):c.1223T>G (p.Ile408Ser)

Gene: GABBR1 (gamma-aminobutyric acid type B receptor subunit 1; minus strand). Cytogenetic location: 6p22.1.
Variant type: single nucleotide variant.
Coding change: c.1223T>G on transcript NM_001470.4 (MANE Select); coding-DNA position 1223, T replaced by G.
Protein change: p.Ile408Ser; replaces isoleucine 408 with serine.
Molecular consequence: missense variant.
Genome position (GRCh38, 1-based): chr6:29,621,201, A>C on the plus strand (T>G on the coding strand, the complement: GABBR1 is on the minus strand). VCF-style: chr6-29621201-A-C. GRCh37 (hg19) VCF-style: chr6-29588978-A-C.
Other names: c.692T>G, p.Ile231Ser (NM_001319053.2); c.872T>G, p.Ile291Ser (NM_021903.3); c.1037T>G, p.Ile346Ser (NM_021904.4); short protein forms I231S, I291S, I346S, I408S.
Identifiers: ClinVar variation 3373125 (VCV003373125.1).